The following is an entry in ClinVar:

ClinVar aggregate classification (germline): Conflicting classifications of pathogenicity. Review status: criteria provided, conflicting classifications (1 of 4 stars). 4 submissions from 4 submitters: Uncertain significance (3); Likely benign (1). Last evaluated 2025-09-11.

Conditions:
Inborn genetic diseases. Identifiers: MedGen C0950123, MeSH D030342.
Ullrich congenital muscular dystrophy 2 (UCMD2). Identifiers: Orphanet 75840, MedGen C4225314, MONDO:0014654, OMIM 616470.
Bethlem myopathy 2 (BTHLM2). Identifiers: Orphanet 536516, Orphanet 610, MedGen C4225313, MONDO:0034022, OMIM 616471.

Allele frequency attached by ClinVar (database versions not stated): ExAC 0.00001; gnomAD 0.00011 and 0.00012; TOPMed 0.00012; gnomAD exomes 0.00001 and 0.00002.
gnomAD v4.1: 32 of 1,613,926 alleles (0.002%); highest among the groups gnomAD compares: African/African-American, 0.041%; no homozygotes.

Submissions (4):

Ambry Genetics
Classification: Uncertain significance for Inborn genetic diseases. Last evaluated: 2025-09-11. Review status: criteria provided, single submitter. Criteria: Ambry Variant Classification Scheme 2023. Collection method: clinical testing. Allele origin: germline.

Labcorp Genetics (formerly Invitae), Labcorp
Classification: Likely benign for Bethlem myopathy 2; Ullrich congenital muscular dystrophy 2. Last evaluated: 2025-06-01. Review status: criteria provided, single submitter. Criteria: Invitae Variant Classification Sherloc (09022015). Collection method: clinical testing. Allele origin: germline.

GeneDx
Classification: Uncertain significance. Last evaluated: 2023-09-25. Review status: criteria provided, single submitter. Criteria: GeneDx Variant Classification Process June 2021. Collection method: clinical testing. Allele origin: germline. Affected: yes.
Comment: Has not been previously published as pathogenic or benign to our knowledge; In silico analysis supports that this missense variant does not alter protein structure/function

Revvity Omics, Revvity
Classification: Uncertain significance. Last evaluated: 2019-06-24. Review status: criteria provided, single submitter. Criteria: ACMG Guidelines, 2015. Collection method: clinical testing. Allele origin: germline.

NM_004370.6(COL12A1):c.4630A>G (p.Thr1544Ala)

Gene: COL12A1 (collagen type XII alpha 1 chain; minus strand). Cytogenetic location: 6q13.
Variant type: single nucleotide variant.
Coding change: c.4630A>G on transcript NM_004370.6 (MANE Select); coding-DNA position 4630, A replaced by G.
Protein change: p.Thr1544Ala; replaces threonine 1544 with alanine.
Molecular consequence: missense variant.
Genome position (GRCh38, 1-based): chr6:75,145,386, T>C on the plus strand (A>G on the coding strand, the complement: COL12A1 is on the minus strand). VCF-style: chr6-75145386-T-C. GRCh37 (hg19) VCF-style: chr6-75855102-T-C.
Other names: c.1138A>G, p.Thr380Ala (NM_080645.3); short protein forms T1544A, T380A.
Identifiers: ClinVar variation 851345 (VCV000851345.12), dbSNP rs777544552, ClinGen allele CA3893394.